The following is an entry in ClinVar:

ClinVar aggregate classification (germline): Pathogenic (0 of 4 stars; one submission).

Conditions:
Pineoblastoma. Identifiers: Orphanet 251909, MedGen C0205898, MONDO:0016722, HP:0030408.

gnomAD v4.1: 5 of 1,605,150 alleles (0.00031%); highest among the groups gnomAD compares: South Asian, 0.0011%; no homozygotes.

Submission:

Center for Precision Oncology and Cancer Prevention, Roswell Park Comprehensive Cancer Center
Classification: Pathogenic for Pineoblastoma. Last evaluated: 2024-11-22. Review status: no assertion criteria provided. Collection method: clinical testing. Allele origin: germline. Inheritance: Autosomal dominant inheritance. Affected: yes.
Comment: Variant was classified as pathogenic with SIFT, Polyphen2, MutationTaster, and LRT. It is characterized as the first-hit in a two-hit mechanism of pineoblastoma.

NM_001382508.1(DROSHA):c.811C>T (p.Arg271Ter)

Gene: DROSHA (drosha ribonuclease III; minus strand). Cytogenetic location: 5p13.3.
Variant type: single nucleotide variant.
Coding change: c.811C>T on transcript NM_001382508.1 (MANE Select); coding-DNA position 811, C replaced by T.
Protein change: p.Arg271Ter; replaces arginine 271 with a stop codon.
Molecular consequence: nonsense.
Genome position (GRCh38, 1-based): chr5:31,526,122, G>A on the plus strand (C>T on the coding strand, the complement: DROSHA is on the minus strand). VCF-style: chr5-31526122-G-A. GRCh37 (hg19) VCF-style: chr5-31526229-G-A.
Other names: c.811C>T, p.Arg271Ter (NM_001100412.2, NM_013235.5); short protein forms R271*.
Identifiers: ClinVar variation 3393485 (VCV003393485.1).
Genomic context (GRCh38, chr5:31,526,122, plus strand): 5'-ACACACAAGCGGTTTACCTGCTCCGTTCGTAGCTGCGGTGGCGAGATGGTGTTCTCCCTC[G>A]GTCATAATCAGATCTGTACCGGCTGTCTTGTCTTCTCCTGTCGGGACTGCGGCCTCGCTC-3'